The following is an entry in ClinVar:

ClinVar aggregate classification (germline): Pathogenic/Likely pathogenic. Review status: criteria provided, multiple submitters, no conflicts (2 of 4 stars). 8 submissions from 7 submitters: Pathogenic (4); Likely pathogenic (3). 1 of the submissions does not count toward it. Last evaluated 2025-04-18.

Conditions:
Nemaline myopathy 2 (NEM2). Also called: Nemaline myopathy 2, autosomal recessive. Identifiers: MedGen C1850569, MONDO:0009725, OMIM 256030.
Arthrogryposis multiplex congenita 6. Identifiers: MedGen C5543431, MONDO:0030281, OMIM 619334.
Nemaline myopathy. Also called: Myopathies, Nemaline. Identifiers: Orphanet 607, MedGen C0206157, MONDO:0018958.

Allele frequency attached by ClinVar (database versions not stated): gnomAD exomes below 0.00001; gnomAD 0.00001; TOPMed 0.00001.
gnomAD v4.1: 2 of 1,613,138 alleles (0.00012%); highest among the groups gnomAD compares: Non-Finnish European, 0.00017%; no homozygotes.

Submissions (8):

Natera, Inc.
Classification: Likely pathogenic for Nemaline myopathy type 2. Last evaluated: 2025-04-18. Review status: criteria provided, single submitter. Criteria: Natera Variant Classification Schema (03/2026). Collection method: clinical testing. Allele origin: germline.
Comment: The c.7228-1G>A variant in NEB is a canonical splice acceptor site variant predicted to affect pre-mRNA splicing, which may result in an abnormal transcript and altered protein product. This variant may result in a truncated or dysfunctional protein product. This variant is rare in the general population with a frequency below the threshold expected for the associated phenotype(s). This variant has been observed in one or more individuals affected with the associated recessive disease, as either homozygous or compound heterozygous with a second variant (PMID: 16917880). This variant has been identified in one or more affected individuals with a phenotype highly consistent with the associated gene (PMID: 16917880). Given the available evidence, this variant is classified as Likely Pathogenic.

Labcorp Genetics (formerly Invitae), Labcorp
Classification: Pathogenic for Nemaline myopathy 2. Last evaluated: 2025-03-13. Review status: criteria provided, single submitter. Criteria: Invitae Variant Classification Sherloc (09022015). Collection method: clinical testing. Allele origin: germline.
Comment: This sequence change affects an acceptor splice site in intron 53 of the NEB gene. It is expected to disrupt RNA splicing. Variants that disrupt the donor or acceptor splice site typically lead to a loss of protein function (PMID: 16199547), and loss-of-function variants in NEB are known to be pathogenic (PMID: 25205138). This variant is not present in population databases (gnomAD no frequency). Disruption of this splice site has been observed in individuals with nemaline myopathy (PMID: 16917880; internal data). This variant is also known as g.82777G>A. ClinVar contains an entry for this variant (Variation ID: 371087). Algorithms developed to predict the effect of sequence changes on RNA splicing suggest that this variant may disrupt the consensus splice site. For these reasons, this variant has been classified as Pathogenic.

Fulgent Genetics
Classification: Likely pathogenic for Nemaline myopathy 2; Arthrogryposis multiplex congenita 6. Last evaluated: 2024-05-28. Review status: criteria provided, single submitter. Criteria: ACMG Guidelines, 2015. Collection method: clinical testing. Allele origin: germline.

Muscle and Diseases Team, Institut de Génétique et Biologie Moléculaire et Cellulaire
Classification: Pathogenic for Nemaline myopathy. Last evaluated: 2024-03-01. Review status: criteria provided, single submitter. Criteria: ACMG Guidelines, 2015. Collection method: research. Allele origin: unknown. Affected: yes. Observed: 1 variant allele.
Comment: PVS1+PS3+PM1+PM2+PM3+PP3+PP4+PP5

Baylor Genetics
Classification: Pathogenic for Arthrogryposis multiplex congenita 6. Last evaluated: 2022-04-05. Review status: criteria provided, single submitter. Criteria: ACMG Guidelines, 2015. Collection method: clinical testing. Allele origin: unknown.

Women's Health and Genetics/Laboratory Corporation of America, LabCorp
Classification: Likely pathogenic for Nemaline myopathy. Last evaluated: 2021-04-26. Review status: criteria provided, single submitter. Criteria: LabCorp Variant Classification Summary - May 2015. Collection method: clinical testing. Allele origin: germline.
Comment: Variant summary: NEB c.7228-1G>A is located in a canonical splice-site and is predicted to affect mRNA splicing resulting in a significantly altered protein due to either exon skipping, shortening, or inclusion of intronic material. Several computational tools predict a significant impact on normal splicing: Four predict the variant abolishes a 3 acceptor site. However, these predictions have yet to be confirmed by functional studies. The variant was absent in 248554 control chromosomes (gnomAD). c.7228-1G>A has been reported in the literature (as g.82777G>A) in a compound heterozygous individual affected with typical form of Nemaline Myopathy (Lehtokari_2006). To our knowledge, no experimental evidence demonstrating an impact on protein function has been reported. Three ClinVar submitters (evaluation after 2014) cite the variant as pathogenic/likely pathogenic. Based on the evidence outlined above, the variant was classified as likely pathogenic.

Baylor Genetics
Classification: Pathogenic for Nemaline myopathy 2. Last evaluated: 2020-02-21. Review status: criteria provided, single submitter. Criteria: ACMG Guidelines, 2015. Collection method: clinical testing. Allele origin: unknown. Affected: yes.
Comment: This variant was determined to be pathogenic according to ACMG Guidelines, 2015 [PMID:25741868].

Counsyl
Classification: Likely pathogenic for Nemaline myopathy 2. Last evaluated: 2016-06-23. Review status: no assertion criteria provided. Collection method: clinical testing. Allele origin: unknown. Not counted in ClinVar's aggregate classification.

Literature cited by the submitters: PubMed 16917880 (cited by 4 submitters); PubMed 16199547 (cited by Labcorp Genetics (formerly Invitae), Labcorp); PubMed 25205138 (cited by Labcorp Genetics (formerly Invitae), Labcorp and Muscle and Diseases Team, Institut de Génétique et Biologie Moléculaire et Cellulaire); DOI 10.1186/s13073-024-01353-0 (cited by Muscle and Diseases Team, Institut de Génétique et Biologie Moléculaire et Cellulaire); PubMed 24725366 (cited by Muscle and Diseases Team, Institut de Génétique et Biologie Moléculaire et Cellulaire).

NM_001164508.2(NEB):c.7228-1G>A

Gene: NEB (nebulin; minus strand). Cytogenetic location: 2q23.3.
Variant type: single nucleotide variant.
Coding change: c.7228-1G>A on transcript NM_001164508.2 (MANE Select); the canonical splice acceptor site of the intron before coding-DNA position 7228, G replaced by A.
Molecular consequence: splice acceptor variant.
Genome position (GRCh38, 1-based): chr2:151,650,380, C>T on the plus strand (G>A on the coding strand, the complement: NEB is on the minus strand). VCF-style: chr2-151650380-C-T. GRCh37 (hg19) VCF-style: chr2-152506894-C-T.
Other names: c.7228-1G>A (NM_004543.5, NM_001164507.2, NM_001271208.2).
Identifiers: ClinVar variation 371087 (VCV000371087.20), dbSNP rs1057516996, ClinGen allele CA16040851.